The following is an entry in ClinVar:

NM_003640.5(ELP1):c.3285+1G>C

Gene: ELP1 (elongator acetyltransferase complex subunit 1; minus strand). Cytogenetic location: 9q31.3.
Variant type: single nucleotide variant.
Coding change: c.3285+1G>C on transcript NM_003640.5 (MANE Select); the canonical splice donor site of the intron after coding-DNA position 3285, G replaced by C.
Molecular consequence: splice donor variant.
Genome position (GRCh38, 1-based): chr9:108,882,124, C>G on the plus strand (G>C on the coding strand, the complement: ELP1 is on the minus strand). VCF-style: chr9-108882124-C-G. GRCh37 (hg19) VCF-style: chr9-111644404-C-G.
Other names: c.2943+1G>C (NM_001318360.2); c.2238+1G>C (NM_001330749.2).
Identifiers: ClinVar variation 834122 (VCV000834122.9), dbSNP rs1287123881, ClinGen allele CA374413413.

ClinVar aggregate classification (germline): Likely pathogenic (1 of 4 stars; one submission).

Submission:

Labcorp Genetics (formerly Invitae), Labcorp
Classification: Likely pathogenic. Last evaluated: 2019-12-13. Review status: criteria provided, single submitter. Criteria: Invitae Variant Classification Sherloc (09022015). Collection method: clinical testing. Allele origin: germline.
Comment: Algorithms developed to predict the effect of sequence changes on RNA splicing suggest that this variant may disrupt the consensus splice site, but this prediction has not been confirmed by published transcriptional studies. In summary, the currently available evidence indicates that the variant is pathogenic, but additional data are needed to prove that conclusively. Therefore, this variant has been classified as Likely Pathogenic. Donor and acceptor splice site variants typically lead to a loss of protein function (PMID: 16199547), and loss-of-function variants in ELP1 are known to be pathogenic (PMID: 18303054, 24173031). This variant has not been reported in the literature in individuals with ELP1-related conditions. This variant is not present in population databases (ExAC no frequency). This sequence change affects a donor splice site in intron 30 of the ELP1 gene. It is expected to disrupt RNA splicing and likely results in an absent or disrupted protein product.

Literature cited by the submitters: PubMed 16199547; PubMed 18303054; PubMed 24173031.